The following is an entry in ClinVar:

ClinVar aggregate classification (germline): Conflicting classifications of pathogenicity. Review status: criteria provided, conflicting classifications (1 of 4 stars). 2 submissions from 2 submitters: Uncertain significance (1); Likely benign (1). Last evaluated 2025-08-09.

Conditions:
Cardiovascular phenotype. Identifiers: MedGen CN230736.
Ehlers-Danlos syndrome due to tenascin-X deficiency (EDSCLL1). Also called: TNX DEFICIENCY; EHLERS-DANLOS SYNDROME, CLASSIC-LIKE; Ehlers-Danlos syndrome, classic-like, 1; TNXB-Related Classical-Like Ehlers-Danlos Syndrome; EDS DUE TO TNX DEFICIENCY. Identifiers: Orphanet 230839, MedGen C1848029, MONDO:0011670, OMIM 606408.
Vesicoureteral reflux 8 (VUR8). Identifiers: Orphanet 289365, MedGen C4014831, MONDO:0014422, OMIM 615963.

Allele frequency attached by ClinVar (database versions not stated): ExAC 0.00001; gnomAD exomes 0.00001 and 0.00002; TOPMed 0.00001.
gnomAD v4.1: 36 of 1,607,178 alleles (0.0022%); highest among the groups gnomAD compares: Admixed American, 0.0067%; no homozygotes.

Submissions (2):

Ambry Genetics
Classification: Likely benign for Cardiovascular phenotype. Last evaluated: 2025-08-09. Review status: criteria provided, single submitter. Criteria: Ambry Variant Classification Scheme 2023. Collection method: clinical testing. Allele origin: germline.

Center for Genomics, Ann and Robert H. Lurie Children's Hospital of Chicago
Classification: Uncertain significance for Ehlers-Danlos syndrome due to tenascin-X deficiency; Vesicoureteral reflux 8. Review status: criteria provided, single submitter. Criteria: ACMG Guidelines, 2015. Collection method: clinical testing. Allele origin: germline.
Comment: This variant has not been reported in the literature but is present in 0.007% (1/15290) of Latino alleles in the Genome Aggregation Database. This variant amino acid Isoleucine (Ile) is present in several species including multiple primates and is not well conserved among evolutionarily distant species; this suggests that this variant may not impact the protein. Additional computational predictive tools do not suggest an impact. In summary, data on this variant is insufficient for disease classification. Therefore, the clinical significance of this variant is uncertain.

NM_001365276.2(TNXB):c.7819G>A (p.Val2607Ile)

Gene: TNXB (tenascin XB; minus strand). Cytogenetic location: 6p21.33.
Variant type: single nucleotide variant.
Coding change: c.7819G>A on transcript NM_001365276.2 (MANE Select); coding-DNA position 7819, G replaced by A.
Protein change: p.Val2607Ile; replaces valine 2607 with isoleucine.
Molecular consequence: missense variant.
Genome position (GRCh38, 1-based): chr6:32,058,064, C>T on the plus strand (G>A on the coding strand, the complement: TNXB is on the minus strand). VCF-style: chr6-32058064-C-T. GRCh37 (hg19) VCF-style: chr6-32025841-C-T.
Other names: c.7819G>A (NM_019105.6); c.7819G>A, p.Val2607Ile (NM_019105.8); short protein forms V2607I.
Identifiers: ClinVar variation 1675141 (VCV001675141.5), dbSNP rs757463918, ClinGen allele CA3734044.